The following is an entry in ClinVar:

ClinVar aggregate classification (germline): Conflicting classifications of pathogenicity. Review status: criteria provided, conflicting classifications (1 of 4 stars). 7 submissions from 7 submitters: Pathogenic (3); Likely pathogenic (2); Uncertain significance (1). 1 of the submissions does not count toward it. Last evaluated 2025-11-14.

Conditions:
Radio-Tartaglia syndrome. Identifiers: Orphanet 662234, MedGen C5543339, MONDO:0859143, OMIM 619312.

Submissions (7):

Variantyx, Inc.
Classification: Likely pathogenic for Radio-Tartaglia syndrome. Last evaluated: 2025-11-14. Review status: criteria provided, single submitter. Criteria: Variantyx Assertion Criteria 2022. Collection method: clinical testing. Allele origin: germline. Inheritance: Autosomal dominant inheritance.
Comment: This is a nonsense variant in the SPEN gene (OMIM: 613484). Pathogenic variants in this gene have been associated with autosomal dominant Radio-Tartaglia syndrome. This variant has been reported in the heterozygous state in an affected individual (PMID: 33596411). it introduces a premature termination codon in exon 11 out of 15 and is expected to result in loss of function, which is a known disease mechanism for SPEN in this disorder (PMID: 33596411) (PVS1). This variant is absent from control populations (PM2_Supporting). Based on the current evidence, this variant is classified as pathogenic for autosomal dominant Radio-Tartaglia syndrome.

GeneDx
Classification: Pathogenic. Last evaluated: 2025-08-27. Review status: criteria provided, single submitter. Criteria: GeneDx Variant Classification Process June 2021. Collection method: clinical testing. Allele origin: germline.
Comment: Identified as both inherited and assumed de novo in patients with clinical features consistent with SPEN-related neurodevelopmental disorder in the published literature (PMID: 33596411, 35346031); Nonsense variant predicted to result in protein truncation or nonsense mediated decay in a gene for which loss of function is a known mechanism of disease; Not observed at significant frequency in large population cohorts (gnomAD); This variant is associated with the following publications: (PMID: Kim2024[CaseReport], 33596411, 35346031, 33057194, 35982159)

Institute of Medical Genetics and Applied Genomics, University Hospital Tübingen
Classification: Likely pathogenic for Radio-Tartaglia syndrome. Last evaluated: 2023-11-28. Review status: criteria provided, single submitter. Criteria: ACMG Guidelines, 2015. Collection method: clinical testing. Allele origin: germline. Inheritance: Autosomal dominant inheritance. Affected: yes.

3billion
Classification: Pathogenic for Radio-Tartaglia syndrome. Last evaluated: 2021-10-02. Review status: criteria provided, single submitter. Criteria: ACMG Guidelines, 2015. Collection method: clinical testing. Allele origin: germline. Affected: yes. Observed: 1 heterozygote.
Comment: Stop-gained (nonsense): predicted to result in a loss or disruption of normal protein function through nonsense-mediated decay (NMD) or protein truncation. Multiple pathogenic variants are reported downstream of the variant (PVS1_VS). It is not observed in the gnomAD v2.1.1 dataset (PM2). The variant was observed as assumed (i.e. paternity and maternity not confirmed) de novoo (3billion dataset, PM6). Therefore, this variant is classified as pathogenic according to the recommendation of ACMG/AMP guideline.

Tartaglia Lab, Genetics and Rare Diseases Research Division, Bambino Gesu' Children's Hospital
Classification: Pathogenic. Last evaluated: 2020-12-03. Review status: criteria provided, single submitter. Criteria: ACMG Guidelines, 2015. Collection method: research. Allele origin: maternal. Affected: yes. Observed: 1 variant allele.

Greenwood Genetic Center Diagnostic Laboratories, Greenwood Genetic Center
Classification: Uncertain significance. Last evaluated: 2020-10-22. Review status: criteria provided, single submitter. Criteria: ACMG Guidelines, 2015. Collection method: clinical testing. Allele origin: germline. Affected: yes.

OMIM
Classification: Pathogenic for RADIO-TARTAGLIA SYNDROME. Last evaluated: 2021-05-10. Review status: no assertion criteria provided. Collection method: literature only. Allele origin: germline. Not counted in ClinVar's aggregate classification.

Literature cited by the submitters: PubMed 33596411 (cited by Variantyx, Inc. and OMIM); PubMed 35982159 (cited by Variantyx, Inc.); PubMed 33057194 (cited by Variantyx, Inc.).

NM_015001.3(SPEN):c.5806C>T (p.Arg1936Ter)

Gene: SPEN (spen family transcriptional repressor; plus strand). Cytogenetic location: 1p36.13.
Variant type: single nucleotide variant.
Coding change: c.5806C>T on transcript NM_015001.3 (MANE Select); coding-DNA position 5806, C replaced by T.
Protein change: p.Arg1936Ter; replaces arginine 1936 with a stop codon.
Molecular consequence: nonsense.
Genome position (GRCh38, 1-based): chr1:15,932,046, C>T. VCF-style: chr1-15932046-C-T. GRCh37 (hg19) VCF-style: chr1-16258541-C-T.
Other names: short protein forms R1936*.
Identifiers: ClinVar variation 992344 (VCV000992344.11), dbSNP rs2071226510, ClinGen allele CA338629174.